The following is an entry in ClinVar:

ClinVar aggregate classification (germline): Pathogenic/Likely pathogenic. Review status: criteria provided, multiple submitters, no conflicts (2 of 4 stars). 2 submissions from 2 submitters: Pathogenic (1); Likely pathogenic (1). Last evaluated 2025-04-08.

Conditions:
Hereditary cancer-predisposing syndrome. Also called: Hereditary Cancer Syndrome; Hereditary neoplastic syndrome; Neoplastic Syndromes, Hereditary; Tumor predisposition. Identifiers: Orphanet 140162, MedGen C0027672, MeSH D009386, MONDO:0015356.
Familial adenomatous polyposis 1 (FAP1). Also called: FAMILIAL ADENOMATOUS POLYPOSIS 1, ATTENUATED; POLYPOSIS, ADENOMATOUS INTESTINAL. Identifiers: MedGen C2713442, MONDO:0021056, OMIM 175100. Disease mechanism: loss of function.

Submissions (2):

Myriad Genetics, Inc.
Classification: Pathogenic for Familial adenomatous polyposis 1. Last evaluated: 2025-04-08. Review status: criteria provided, single submitter. Criteria: Myriad Autosomal Dominant, Autosomal Recessive and X-Linked Classification Criteria (2023). Collection method: clinical testing. Allele origin: unknown.
Comment: This variant is considered pathogenic. This variant creates a frameshift predicted to result in premature protein truncation.

Ambry Genetics
Classification: Likely pathogenic for Hereditary cancer-predisposing syndrome. Last evaluated: 2025-03-27. Review status: criteria provided, single submitter. Criteria: Ambry Variant Classification Scheme 2023. Collection method: clinical testing. Allele origin: germline.
Comment: The c.2524_2525dupGA variant, located in coding exon 15 of the APC gene, results from a duplication of GA at nucleotide position 2524, causing a translational frameshift with a predicted alternate stop codon (p.D842Efs*20). This alteration occurs at the 3' terminus of theAPC gene, is not expected to trigger nonsense-mediated mRNA decay, and impacts the last 70% of the protein. However, premature stop codons are typically deleterious in nature and a significant portion of the protein is affected (Ambry internal data). This variant is considered to be rare based on population cohorts in the Genome Aggregation Database (gnomAD). Based on the majority of available evidence to date, this variant is likely to be pathogenic.

NM_000038.6(APC):c.2524_2525dup (p.Asp842fs)

Gene: APC (APC regulator of Wnt signaling pathway; plus strand). Cytogenetic location: 5q22.2.
Variant type: Duplication.
Coding change: c.2524_2525dup on transcript NM_000038.6 (MANE Select); coding-DNA positions 2524 to 2525, 2 bases duplicated (GA; older notation c.2524_2525dupGA).
Protein change: p.Asp842fs; shifts the reading frame from aspartic acid 842.
Molecular consequence: frameshift variant. On other transcripts: non-coding transcript variant (2).
Genome position (GRCh38, 1-based): chr5:112,838,118-112,838,119, GA duplicated; duplicating any 2 consecutive bases within chr5:112,838,117-112,838,119 gives the same sequence; the c. name uses the placement nearest the transcript's 3' end. VCF-style (leftmost placement, unchanged base first): chr5-112838116-T-TAG. GRCh37 (hg19) VCF-style: chr5-112173813-T-TAG.
Other names: c.2524_2525dup, p.Asp842fs (NM_001127510.3, NM_001354895.2, NM_001407450.1); c.2470_2471dup, p.Asp824fs (NM_001127511.3); c.2578_2579dup, p.Asp860fs (NM_001354896.2, NM_001407447.1, NM_001407448.1 and 1 more transcripts); c.2554_2555dup, p.Asp852fs (NM_001354897.2); c.2449_2450dup, p.Asp817fs (NM_001354898.2); c.2440_2441dup, p.Asp814fs (NM_001354899.2); c.2401_2402dup, p.Asp801fs (NM_001354900.2); c.2347_2348dup, p.Asp783fs (NM_001354901.2, NM_001407453.1); and 11 more; short protein forms D824fs, D559fs, D682fs, D713fs, D741fs, D759fs, D801fs, D716fs.
Identifiers: ClinVar variation 3927910 (VCV003927910.2).